The following is an entry in ClinVar:

ClinVar aggregate classification (germline): Benign. Review status: criteria provided, multiple submitters, no conflicts (2 of 4 stars). 6 submissions from 6 submitters: Benign (6). Last evaluated 2026-02-04.

Conditions:
Inborn genetic diseases. Identifiers: MedGen C0950123, MeSH D030342.
Developmental and epileptic encephalopathy, 30 (DEE30). Also called: Epileptic encephalopathy, early infantile, 30. Identifiers: MedGen C4225360, MONDO:0014595, OMIM 616341.

Allele frequency attached by ClinVar (database versions not stated): 1000 Genomes Project 0.16653; gnomAD 0.18525; ESP Exome Variant Server 0.18687; gnomAD exomes 0.23074; ExAC 0.28127.

Submissions (6):

Labcorp Genetics (formerly Invitae), Labcorp
Classification: Benign for Developmental and epileptic encephalopathy, 30. Last evaluated: 2026-02-04. Review status: criteria provided, single submitter. Criteria: Invitae Variant Classification Sherloc (09022015). Collection method: clinical testing. Allele origin: germline.

Unidad de Genómica Garrahan, Hospital de Pediatría Garrahan
Classification: Benign. Last evaluated: 2024-07-31. Review status: criteria provided, single submitter. Criteria: ACMG Guidelines, 2015. Collection method: clinical testing. Allele origin: germline. Affected: no. Observed: 49 variant alleles.
Comment: This variant is classified as Benign based on local population frequency. This variant was detected in 53% of patients studied in a panel designed for Epileptic and Developmental Encephalopathy, Progressive Myoclonus Epilepsy and Abnormal Movements and Neurodegeneration with brain iron accumulation. Number of patients: 49. Only high quality variants are reported.

Mayo Clinic Laboratories, Mayo Clinic
Classification: Benign. Last evaluated: 2018-04-02. Review status: criteria provided, single submitter. Criteria: ACMG Guidelines, 2015. Collection method: clinical testing. Allele origin: germline. Observed: 241 variant alleles.

Athena Diagnostics
Classification: Benign. Last evaluated: 2017-04-20. Review status: criteria provided, single submitter. Criteria: Athena Diagnostics Criteria. Collection method: clinical testing. Allele origin: germline.

Ambry Genetics
Classification: Benign for Inborn genetic diseases. Last evaluated: 2016-01-08. Review status: criteria provided, single submitter. Criteria: Ambry Variant Classification Scheme 2023. Collection method: clinical testing. Allele origin: germline.

Breakthrough Genomics
Classification: Benign. Review status: criteria provided, single submitter. Criteria: ACMG Guidelines, 2015. Collection method: not provided. Allele origin: germline. Inheritance: Autosomal dominant inheritance. Affected: yes.

NM_173354.5(SIK1):c.43G>A (p.Gly15Ser)

Gene: SIK1 (salt inducible kinase 1; minus strand). Cytogenetic location: 21q22.3.
Variant type: single nucleotide variant.
Coding change: c.43G>A on transcript NM_173354.5 (MANE Select); coding-DNA position 43, G replaced by A.
Protein change: p.Gly15Ser; replaces glycine 15 with serine.
Molecular consequence: missense variant.
Genome position (GRCh38, 1-based): chr21:43,426,136, C>T on the plus strand (G>A on the coding strand, the complement: SIK1 is on the minus strand). VCF-style: chr21-43426136-C-T. GRCh37 (hg19) VCF-style: chr21-44846016-C-T.
Other names: p.Gly15Ser; short protein forms G15S.
Identifiers: ClinVar variation 586588 (VCV000586588.19), dbSNP rs3746951, ClinGen allele CA321330050.